The following is an entry in ClinVar:

ClinVar aggregate classification (germline): Likely benign (1 of 4 stars; one submission).

Conditions:
Hereditary spastic paraplegia 35. Also called: Spastic paraplegia 35; SPASTIC PARAPLEGIA 35, AUTOSOMAL RECESSIVE, WITH OR WITHOUT NEURODEGENERATION; LEUKODYSTROPHY, DYSMYELINATING, AND SPASTIC PARAPARESIS WITH OR WITHOUT DYSTONIA; Spastic paraplegia 35, autosomal recessive. Identifiers: Orphanet 171629, MedGen C3496228, MONDO:0012866, OMIM 612319.

Allele frequency attached by ClinVar (database versions not stated): 1000 Genomes Project 30x 0.00312; 1000 Genomes Project 0.00319; gnomAD 0.00490 and 0.00503; TOPMed 0.00510; gnomAD exomes 0.00592.
gnomAD v4.1: 775 of 156,930 alleles (0.49%); highest among the groups gnomAD compares: Non-Finnish European, 0.75%; 3 homozygotes.

Submission:

Illumina Laboratory Services, Illumina
Classification: Likely benign for Hereditary spastic paraplegia 35. Last evaluated: 2018-01-13. Review status: criteria provided, single submitter. Criteria: ICSL Variant Classification Criteria 13 December 2019. Collection method: clinical testing. Allele origin: germline.
Comment: This variant was observed in the ICSL laboratory as part of a predisposition screen in an ostensibly healthy population. It had not been previously curated by ICSL or reported in the Human Gene Mutation Database (HGMD: prior to June 1st, 2018), and was therefore a candidate for classification through an automated scoring system. Utilizing variant allele frequency, disease prevalence and penetrance estimates, and inheritance mode, an automated score was calculated to assess if this variant is too frequent to cause the disease. Based on the score and internal cut-off values, a variant classified as likely benign is not then subjected to further curation. The score for this variant resulted in a classification of likely benign for this disease.

NM_024306.5(FA2H):c.*520G>A

Gene: FA2H (fatty acid 2-hydroxylase; minus strand). Cytogenetic location: 16q23.1.
Variant type: single nucleotide variant.
Coding change: c.*520G>A on transcript NM_024306.5 (MANE Select); 520 bases downstream of the stop codon, G replaced by A.
Molecular consequence: 3 prime UTR variant.
Genome position (GRCh38, 1-based): chr16:74,713,670, C>T on the plus strand (G>A on the coding strand, the complement: FA2H is on the minus strand). VCF-style: chr16-74713670-C-T. GRCh37 (hg19) VCF-style: chr16-74747568-C-T.
Identifiers: ClinVar variation 320478 (VCV000320478.5), dbSNP rs187456324, ClinGen allele CA10648057.